The following is an entry in ClinVar:

NM_001353345.2(SETD1B):c.4752A>C (p.Pro1584=)

Gene: SETD1B (SET domain containing 1B, histone lysine methyltransferase; plus strand). Cytogenetic location: 12q24.31.
Variant type: single nucleotide variant.
Coding change: c.4752A>C on transcript NM_001353345.2 (MANE Select); coding-DNA position 4752, A replaced by C.
Protein change: p.Pro1584=; no amino-acid change (proline 1584 retained).
Molecular consequence: synonymous variant.
Genome position (GRCh38, 1-based): chr12:121,823,331, A>C. VCF-style: chr12-121823331-A-C. GRCh37 (hg19) VCF-style: chr12-122261237-A-C.
Other names: NM_015048.1:c.4623A>C.
Identifiers: ClinVar variation 3042963 (VCV003042963.16), dbSNP rs1240611346, ClinGen allele CA482435448.

ClinVar aggregate classification (germline): Likely benign. Review status: criteria provided, multiple submitters, no conflicts (2 of 4 stars). 3 submissions from 3 submitters: Likely benign (2). 1 of the submissions does not count toward it. Last evaluated 2025-01-01.

Conditions:
SETD1B-related disorder. Also called: SETD1B-related condition.

Submissions (3):

CeGaT Center for Human Genetics Tuebingen
Classification: Likely benign. Last evaluated: 2025-01-01. Review status: criteria provided, single submitter. Criteria: CeGaT Center For Human Genetics Tuebingen Variant Classification Criteria Version 2. Collection method: clinical testing. Allele origin: germline. Affected: yes. Observed: 1 variant allele.
Comment: SETD1B: BP4, BP7

Blueprint Genetics
Classification: Likely benign. Last evaluated: 2020-09-24. Review status: criteria provided, single submitter. Criteria: ACMG Guidelines, 2015. Collection method: clinical testing. Allele origin: germline.

PreventionGenetics, part of Exact Sciences
Classification: Likely benign for SETD1B-related condition. Last evaluated: 2019-03-25. Review status: no assertion criteria provided. Collection method: clinical testing. Allele origin: germline. Not counted in ClinVar's aggregate classification.
Comment: This variant is classified as likely benign based on ACMG/AMP sequence variant interpretation guidelines (Richards et al. 2015 PMID: 25741868, with internal and published modifications).